The following is an entry in ClinVar:

NM_000518.5(HBB):c.22G>A (p.Glu8Lys)

Genes: HBB (hemoglobin subunit beta; minus strand), LOC106099062 (HBB recombination region; plus strand), LOC107133510 (origin of replication at HBB; plus strand). Cytogenetic location: 11p15.4.
Variant type: single nucleotide variant.
Coding change: c.22G>A on transcript NM_000518.5 (MANE Select); coding-DNA position 22, G replaced by A.
Protein change: p.Glu8Lys; replaces glutamic acid 8 with lysine.
Molecular consequence: missense variant.
Genome position (GRCh38, 1-based): chr11:5,227,000, C>T on the plus strand (G>A on the coding strand, the complement: HBB is on the minus strand). VCF-style: chr11-5227000-C-T. GRCh37 (hg19) VCF-style: chr11-5248230-C-T.
Other names: E7K; Hb G-Siriraj; Hb G Honan; short protein forms E8K.
Identifiers: ClinVar variation 15353 (VCV000015353.4), dbSNP rs34948328, ClinGen allele CA125168.

ClinVar aggregate classification (germline): Uncertain significance. Review status: criteria provided, multiple submitters, no conflicts (2 of 4 stars). 3 submissions from 3 submitters: Uncertain significance (2). 1 of the submissions does not count toward it. Last evaluated 2026-02-04.

Allele frequency attached by ClinVar (database versions not stated): TOPMed below 0.00001.

Submissions (3):

Women's Health and Genetics/Laboratory Corporation of America, LabCorp
Classification: Uncertain significance. Last evaluated: 2026-02-04. Review status: criteria provided, single submitter. Criteria: LabCorp Variant Classification Summary - May 2015. Collection method: clinical testing. Allele origin: germline.
Comment: Variant summary: HBB c.22G>A (p.Glu8Lys), also known as Hb G-Siriraj or [beta7(A4)Glu>Lys] in legacy nomenclature, results in a conservative amino acid change in the encoded protein sequence. Algorithms developed to predict the effect of missense changes on protein structure and function are either unavailable or do not agree on the potential impact of this missense change. The variant was absent in 251184 control chromosomes. The available data on variant occurrences in the general population are insufficient to allow any conclusion about variant significance. c.22G>A has been observed in the heterozygous and presumed compound heterozygous state in numerous individuals who were either asymptomatic or had very mild features of beta thalassemia minor which were often attributable to other genetic variations in HBB or HBA (example, Chen_2023, Bao_2023, Guan_2022, Li_2022, Lin_2013, Chang_1999, Xu_2020, Blackwell_1972, Rhoda_1986, Tuchinda_965, Ousguine_2025). These report(s) do not provide unequivocal conclusions about association of the variant with Hemoglobinopathy. To our knowledge, no experimental evidence demonstrating an impact on protein function in vitro has been reported. The following publications have been ascertained in the context of this evaluation (PMID: 36995301, 37098594, 36691989, 36059093, 23383304, 10335989, 32687481, 5077741, 3754242, 14288126, 39808144). ClinVar contains an entry for this variant (Variation ID: 15353). Based on the evidence outlined above, the variant was classified as uncertain significance.

Quest Diagnostics Nichols Institute San Juan Capistrano
Classification: Uncertain significance. Last evaluated: 2020-09-24. Review status: criteria provided, single submitter. Criteria: Quest Diagnostics criteria. Collection method: clinical testing. Allele origin: unknown.

OMIM
Classification: Pathogenic for HEMOGLOBIN SIRIRAJ. Last evaluated: 1981-11-21. Review status: no assertion criteria provided. Collection method: literature only. Allele origin: germline. Not counted in ClinVar's aggregate classification.

Literature cited by the submitters: PubMed 5077741 (cited by Women's Health and Genetics/Laboratory Corporation of America, LabCorp and Quest Diagnostics Nichols Institute San Juan Capistrano); PubMed 23383304 (cited by Women's Health and Genetics/Laboratory Corporation of America, LabCorp and Quest Diagnostics Nichols Institute San Juan Capistrano); PubMed 37098594 (cited by Women's Health and Genetics/Laboratory Corporation of America, LabCorp); PubMed 10335989 (cited by Women's Health and Genetics/Laboratory Corporation of America, LabCorp and Quest Diagnostics Nichols Institute San Juan Capistrano); PubMed 36995301 (cited by Women's Health and Genetics/Laboratory Corporation of America, LabCorp); PubMed 36691989 (cited by Women's Health and Genetics/Laboratory Corporation of America, LabCorp); PubMed 36059093 (cited by Women's Health and Genetics/Laboratory Corporation of America, LabCorp); PubMed 39808144 (cited by Women's Health and Genetics/Laboratory Corporation of America, LabCorp); PubMed 3754242 (cited by Women's Health and Genetics/Laboratory Corporation of America, LabCorp); PubMed 14288126 (cited by 3 submitters); PubMed 32687481 (cited by Women's Health and Genetics/Laboratory Corporation of America, LabCorp); PubMed 26635043 (cited by Quest Diagnostics Nichols Institute San Juan Capistrano); PubMed 5032420 (cited by OMIM); PubMed 6118575 (cited by OMIM).